The following is an entry in ClinVar:

NM_001384474.1(LOXHD1):c.3463A>G (p.Arg1155Gly)

Gene: LOXHD1 (lipoxygenase homology PLAT domains 1; minus strand). Cytogenetic location: 18q21.1.
Variant type: single nucleotide variant.
Coding change: c.3463A>G on transcript NM_001384474.1 (MANE Select); coding-DNA position 3463, A replaced by G.
Protein change: p.Arg1155Gly; replaces arginine 1155 with glycine.
Molecular consequence: missense variant. On other transcripts: 5 prime UTR variant (1).
Genome position (GRCh38, 1-based): chr18:46,546,946, T>C on the plus strand (A>G on the coding strand, the complement: LOXHD1 is on the minus strand). VCF-style: chr18-46546946-T-C. GRCh37 (hg19) VCF-style: chr18-44126909-T-C.
Other names: c.130A>G, p.Arg44Gly (NM_001145472.3); c.-159A>G (NM_001308013.2); c.3463A>G, p.Arg1155Gly (NM_144612.7); short protein forms R1155G, R44G.
Identifiers: ClinVar variation 47934 (VCV000047934.32), dbSNP rs1893566, ClinGen allele CA142214.

ClinVar aggregate classification (germline): Benign. Review status: criteria provided, multiple submitters, no conflicts (2 of 4 stars). 14 submissions from 14 submitters: Benign (11). 3 of the submissions do not count toward it. Last evaluated 2026-06-26.

Conditions:
Autosomal recessive nonsyndromic hearing loss 77. Identifiers: Orphanet 90636, MedGen C2746083, MONDO:0013119, OMIM 613079.

Allele frequency attached by ClinVar (database versions not stated): 1000 Genomes Project 30x 0.69129; 1000 Genomes Project 0.69469; TOPMed 0.73579; gnomAD 0.75216; ExAC 0.76751; ESP Exome Variant Server 0.77157.
gnomAD v4.1: 1,251,674 of 1,551,372 alleles (81%); highest among the groups gnomAD compares: Non-Finnish European, 84%; 508,247 homozygotes.

Submissions (14):

Women's Health and Genetics/Laboratory Corporation of America, LabCorp
Classification: Benign. Last evaluated: 2026-06-26. Review status: criteria provided, single submitter. Criteria: LabCorp Variant Classification Summary - May 2015. Collection method: clinical testing. Allele origin: germline.

Labcorp Genetics (formerly Invitae), Labcorp
Classification: Benign. Last evaluated: 2026-02-04. Review status: criteria provided, single submitter. Criteria: Invitae Variant Classification Sherloc (09022015). Collection method: clinical testing. Allele origin: germline.

Blueprint Genetics
Classification: Benign. Last evaluated: 2024-11-28. Review status: criteria provided, single submitter. Criteria: ACMG Guidelines, 2015. Collection method: clinical testing. Allele origin: germline.

Genome-Nilou Lab
Classification: Benign for Autosomal recessive nonsyndromic hearing loss 77. Last evaluated: 2021-07-10. Review status: criteria provided, single submitter. Criteria: ACMG Guidelines, 2015. Collection method: clinical testing. Allele origin: germline. Affected: no.

Mayo Clinic Laboratories, Mayo Clinic
Classification: Benign. Last evaluated: 2020-08-13. Review status: criteria provided, single submitter. Criteria: ACMG Guidelines, 2015. Collection method: clinical testing. Allele origin: germline. Observed: 199 variant alleles.

Mendelics
Classification: Benign for Autosomal recessive nonsyndromic hearing loss 77. Last evaluated: 2019-05-28. Review status: criteria provided, single submitter. Criteria: Mendelics Assertion Criteria 2017. Collection method: clinical testing. Allele origin: unknown.

Illumina Laboratory Services, Illumina
Classification: Benign for Autosomal recessive nonsyndromic hearing loss 77. Last evaluated: 2018-01-12. Review status: criteria provided, single submitter. Criteria: ICSL Variant Classification Criteria 13 December 2019. Collection method: clinical testing. Allele origin: germline.
Comment: This variant was observed in the ICSL laboratory as part of a predisposition screen in an ostensibly healthy population. It had not been previously curated by ICSL or reported in the Human Gene Mutation Database (HGMD: prior to June 1st, 2018), and was therefore a candidate for classification through an automated scoring system. Utilizing variant allele frequency, disease prevalence and penetrance estimates, and inheritance mode, an automated score was calculated to assess if this variant is too frequent to cause the disease. Based on the score and internal cut-off values, a variant classified as benign is not then subjected to further curation. The score for this variant resulted in a classification of benign for this disease.

GeneDx
Classification: Benign. Last evaluated: 2017-05-09. Review status: criteria provided, single submitter. Criteria: GeneDx Variant Classification (06012015). Collection method: clinical testing. Allele origin: germline. Affected: yes.
Comment: This variant is considered likely benign or benign based on one or more of the following criteria: it is a conservative change, it occurs at a poorly conserved position in the protein, it is predicted to be benign by multiple in silico algorithms, and/or has population frequency not consistent with disease.

Laboratory for Molecular Medicine, Mass General Brigham Personalized Medicine
Classification: Benign. Last evaluated: 2012-05-07. Review status: criteria provided, single submitter. Criteria: LMM Criteria. Collection method: clinical testing. Allele origin: germline. Observed: 1,547 variant alleles.
Comment: Arg1155Gly in Exon 22 of LOXHD1: This variant is not expected to have clinical s ignificance because it has been identified in 36.2% (254/702) of African America n chromosomes from a broad population by the NHLBI Exome Sequencing Project (dbSNP rs1893566).

Breakthrough Genomics
Classification: Benign. Review status: criteria provided, single submitter. Criteria: ACMG Guidelines, 2015. Collection method: not provided. Allele origin: germline. Inheritance: Autosomal recessive inheritance. Affected: yes.

PreventionGenetics, part of Exact Sciences
Classification: Benign. Review status: criteria provided, single submitter. Criteria: ACMG Guidelines, 2015. Collection method: clinical testing. Allele origin: germline.

Natera, Inc.
Classification: Benign for Autosomal recessive deafness type 77. Last evaluated: 2020-09-16. Review status: no assertion criteria provided. Collection method: clinical testing. Allele origin: germline. Not counted in ClinVar's aggregate classification.

Diagnostic Laboratory, Department of Genetics, University Medical Center Groningen
Classification: Benign. Review status: no assertion criteria provided. Collection method: clinical testing. Allele origin: germline. Affected: yes. Study: VKGL Data-share Consensus. Not counted in ClinVar's aggregate classification.

Joint Genome Diagnostic Labs from Nijmegen and Maastricht, Radboudumc and MUMC+
Classification: Benign. Review status: no assertion criteria provided. Collection method: clinical testing. Allele origin: germline. Affected: yes. Study: VKGL Data-share Consensus. Not counted in ClinVar's aggregate classification.